The following is an entry in ClinVar:

NM_001358438.1(KLF18):c.1044G>A (p.Gly348=)

Gene: KLF18 (KLF transcription factor 18; minus strand). Cytogenetic location: 1p34.1.
Variant type: single nucleotide variant.
Coding change: c.1044G>A on transcript NM_001358438.1 (MANE Select); coding-DNA position 1044, G replaced by A.
Protein change: p.Gly348=; no amino-acid change (glycine 348 retained).
Molecular consequence: synonymous variant.
Genome position (GRCh38, 1-based): chr1:44,140,588, C>T on the plus strand (G>A on the coding strand, the complement: KLF18 is on the minus strand). VCF-style: chr1-44140588-C-T. GRCh37 (hg19) VCF-style: chr1-44606260-C-T.
Identifiers: ClinVar variation 4874503 (VCV004874503.2).
Genomic context (GRCh38, chr1:44,140,588, plus strand): 5'-AGTGGAGGTCATCACTTGCTCTCCACAGAGGTTCTGGTTACCAGTGGAGGTCATCATCTG[C>T]CCCCAGTAGAGGGTCTGGTTACCAGTGGAGGTCATCATCTGCCCCCCATAGAGGTTCTGG-3'
Protein context (NP_001345367.1, residues 338-358): TSTGNQTLYW[Gly348=]QMMTSTGNQN

ClinVar aggregate classification (germline): Likely benign (1 of 4 stars; one submission).

Submission:

CeGaT Center for Human Genetics Tuebingen
Classification: Likely benign. Last evaluated: 2026-04-01. Review status: criteria provided, single submitter. Criteria: CeGaT Center For Human Genetics Tuebingen Variant Classification Criteria Version 2. Collection method: clinical testing. Allele origin: germline. Affected: yes. Observed: 1 variant allele.
Comment: KLF18: BP4, BP7